The following is an entry in ClinVar:

ClinVar aggregate classification (germline): Likely pathogenic (1 of 4 stars; one submission).

Conditions:
Joubert syndrome 30. Identifiers: MedGen C4539937, MONDO:0033308, OMIM 617622.

Submission:

First Genomix Gene Laboratory, Genetic Diagnostics Department
Classification: Likely pathogenic for Joubert syndrome 30. Last evaluated: 2025-05-23. Review status: criteria provided, single submitter. Criteria: ACMG Guidelines, 2015. Collection method: clinical testing. Allele origin: germline. Inheritance: Autosomal recessive inheritance. Affected: no. Observed: 1 variant allele.

NM_001352754.2(ARMC9):c.2201dup (p.Thr736fs)

Genes: ARMC9 (armadillo repeat containing 9; plus strand), LOC122861306 (Sharpr-MPRA regulatory region 9410; plus strand). Cytogenetic location: 2q37.1.
Variant type: Duplication.
Coding change: c.2201dup on transcript NM_001352754.2 (MANE Select); coding-DNA position 2201, one base duplicated (C; older notation c.2201dupC).
Protein change: p.Thr736fs; shifts the reading frame from threonine 736.
Molecular consequence: frameshift variant.
Genome position (GRCh38, 1-based): chr2:231,360,823, C duplicated. VCF-style (leftmost placement, unchanged base first): chr2-231360822-A-AC. GRCh37 (hg19) VCF-style: chr2-232225534-A-AC.
Other names: c.2201dup, p.Thr736fs (NM_001271466.4); c.2201dupC (NM_001352754.2); short protein forms T736fs.
Identifiers: ClinVar variation 4849440 (VCV004849440.1).